The following is an entry in ClinVar:

ClinVar aggregate classification (germline): Conflicting classifications of pathogenicity. Review status: criteria provided, conflicting classifications (1 of 4 stars). 2 submissions from 2 submitters: Likely pathogenic (1); Uncertain significance (1). Last evaluated 2025-03-11.

Conditions:
Hereditary spastic paraplegia 47. Also called: Spastic paraplegia 47, autosomal recessive; CEREBRAL PALSY, SPASTIC QUADRIPLEGIC, 5; adaptor protein 4 (AP-4) deficiency syndrome. Identifiers: Orphanet 280763, MedGen C3279738, MONDO:0013551, OMIM 614066.

Submissions (2):

Revvity Omics, Revvity
Classification: Likely pathogenic for Hereditary spastic paraplegia 47. Last evaluated: 2025-03-11. Review status: criteria provided, single submitter. Criteria: ACMG Guidelines, 2015. Collection method: clinical testing. Allele origin: germline.

CeGaT Center for Human Genetics Tuebingen
Classification: Uncertain significance. Last evaluated: 2024-06-01. Review status: criteria provided, single submitter. Criteria: CeGaT Center For Human Genetics Tuebingen Variant Classification Criteria Version 2. Collection method: clinical testing. Allele origin: germline. Affected: yes. Observed: 3 variant alleles.
Comment: AP4B1: PM2, PVS1:Moderate, PM3:Supporting

NM_001253852.3(AP4B1):c.3del (p.Met1fs)

Genes: AP4B1 (adaptor related protein complex 4 subunit beta 1; minus strand), DCLRE1B (DNA cross-link repair 1B; plus strand), LOC129931235 (ATAC-STARR-seq lymphoblastoid active region 1540; plus strand). Cytogenetic location: 1p13.2.
Variant type: Deletion.
Coding change: c.3del on transcript NM_001253852.3 (MANE Select); coding-DNA position 3, one base deleted (G; older notation c.3delG).
Protein change: p.Met1fs; shifts the reading frame from methionine 1.
Molecular consequence: frameshift variant, initiator codon variant. On other transcripts: 5 prime UTR variant (1), intron variant (1).
Genome position (GRCh38, 1-based): chr1:113,904,715, C deleted on the plus strand (G on the coding strand, the reverse complement: AP4B1 is on the minus strand). VCF-style (leftmost placement, unchanged base first): chr1-113904714-GC-G. GRCh37 (hg19) VCF-style: chr1-114447336-GC-G.
Other names: c.-167del (NM_001253853.3); c.3del, p.Met1fs (NM_001308312.2, NM_001437822.1, NM_001438373.1 and 7 more transcripts); c.-331+7del (NM_001319947.2); short protein forms M1fs.
Identifiers: ClinVar variation 3251199 (VCV003251199.18), dbSNP rs2526692527.